The following is an entry in ClinVar:

NM_000368.5(TSC1):c.2182G>A (p.Ala728Thr)

Gene: TSC1 (TSC complex subunit 1; minus strand). Cytogenetic location: 9q34.13.
Variant type: single nucleotide variant.
Coding change: c.2182G>A on transcript NM_000368.5 (MANE Select); coding-DNA position 2182, G replaced by A.
Protein change: p.Ala728Thr; replaces alanine 728 with threonine.
Molecular consequence: missense variant.
Genome position (GRCh38, 1-based): chr9:132,903,677, C>T on the plus strand (G>A on the coding strand, the complement: TSC1 is on the minus strand). VCF-style: chr9-132903677-C-T. GRCh37 (hg19) VCF-style: chr9-135779064-C-T.
Other names: c.2179G>A, p.Ala727Thr (NM_001162426.2); c.2029G>A, p.Ala677Thr (NM_001162427.2); c.1819G>A, p.Ala607Thr (NM_001362177.2); short protein forms A607T, A677T, A727T, A728T.
Identifiers: ClinVar variation 1064201 (VCV001064201.13), dbSNP rs1845494587, ClinGen allele CA375360707.

ClinVar aggregate classification (germline): Uncertain significance. Review status: criteria provided, multiple submitters, no conflicts (2 of 4 stars). 3 submissions from 3 submitters: Uncertain significance (3). Last evaluated 2025-01-17.

Conditions:
Hereditary cancer-predisposing syndrome. Also called: Tumor predisposition; Neoplastic Syndromes, Hereditary; Hereditary Cancer Syndrome; Hereditary neoplastic syndrome. Identifiers: Orphanet 140162, MedGen C0027672, MeSH D009386, MONDO:0015356.
Isolated focal cortical dysplasia type II (FCORD2). Also called: Focal cortical dysplasia type II; CORTICAL DYSPLASIA OF TAYLOR. Identifiers: Orphanet 268994, MedGen C1846385, MONDO:0011818, OMIM 607341, HP:0032051.
Tuberous sclerosis 1 (TSC1). Identifiers: Orphanet 805, MedGen C1854465, MONDO:0008612, OMIM 191100.

Allele frequency attached by ClinVar (database versions not stated): gnomAD exomes below 0.00001.
gnomAD v4.1: 1 of 1,612,614 alleles (0.000062%); highest among the groups gnomAD compares: Admixed American, 0.0017%; no homozygotes.

Submissions (3):

Ambry Genetics
Classification: Uncertain significance for Hereditary cancer-predisposing syndrome. Last evaluated: 2025-01-17. Review status: criteria provided, single submitter. Criteria: Ambry Variant Classification Scheme 2023. Collection method: clinical testing. Allele origin: germline.
Comment: The p.A728T variant (also known as c.2182G>A), located in coding exon 15 of the TSC1 gene, results from a G to A substitution at nucleotide position 2182. The alanine at codon 728 is replaced by threonine, an amino acid with similar properties. This amino acid position is well conserved in available vertebrate species. In addition, the in silico prediction for this alteration is inconclusive. Based on the available evidence, the clinical significance of this variant remains unclear.

Labcorp Genetics (formerly Invitae), Labcorp
Classification: Uncertain significance for Tuberous sclerosis 1. Last evaluated: 2024-10-22. Review status: criteria provided, single submitter. Criteria: Invitae Variant Classification Sherloc (09022015). Collection method: clinical testing. Allele origin: germline.
Comment: This sequence change replaces alanine, which is neutral and non-polar, with threonine, which is neutral and polar, at codon 728 of the TSC1 protein (p.Ala728Thr). This variant is not present in population databases (gnomAD no frequency). This variant has not been reported in the literature in individuals affected with TSC1-related conditions. ClinVar contains an entry for this variant (Variation ID: 1064201). Invitae Evidence Modeling of protein sequence and biophysical properties (such as structural, functional, and spatial information, amino acid conservation, physicochemical variation, residue mobility, and thermodynamic stability) indicates that this missense variant is not expected to disrupt TSC1 protein function with a negative predictive value of 95%. In summary, the available evidence is currently insufficient to determine the role of this variant in disease. Therefore, it has been classified as a Variant of Uncertain Significance.

Baylor Genetics
Classification: Uncertain significance for Isolated focal cortical dysplasia type II. Last evaluated: 2023-10-15. Review status: criteria provided, single submitter. Criteria: ACMG Guidelines, 2015. Collection method: clinical testing. Allele origin: unknown.